The following is an entry in ClinVar:

ClinVar aggregate classification (germline): Likely pathogenic (1 of 4 stars; one submission).

Conditions:
Microcephaly, normal intelligence and immunodeficiency (NBS). Also called: Nijmegen breakage syndrome; Microcephaly with normal intelligence immunodeficiency and lymphoreticular malignancies; Nonsyndromal microcephaly autosomal recessive with normal intelligence; Seemanova syndrome 2; Immunodeficiency, microcephaly with normal intelligence; Ataxia telangiectasia variant V1. Identifiers: Orphanet 647, MedGen C0398791, MONDO:0009623, OMIM 251260.

Allele frequency attached by ClinVar (database versions not stated): gnomAD exomes below 0.00001.
gnomAD v4.1: 1 of 1,611,908 alleles (0.000062%); highest among the groups gnomAD compares: South Asian, 0.0011%; no homozygotes.

Submission:

Labcorp Genetics (formerly Invitae), Labcorp
Classification: Likely pathogenic for Microcephaly, normal intelligence and immunodeficiency. Last evaluated: 2023-06-23. Review status: criteria provided, single submitter. Criteria: Invitae Variant Classification Sherloc (09022015). Collection method: clinical testing. Allele origin: germline.
Comment: This sequence change affects an acceptor splice site in intron 3 of the NBN gene. RNA analysis indicates that disruption of this splice site induces altered splicing and may result in an absent or disrupted protein product. This variant is not present in population databases (gnomAD no frequency). This variant has not been reported in the literature in individuals affected with NBN-related conditions. Studies have shown that disruption of this splice site results in skipping of exon 4 and introduces a premature termination codon (Invitae). The resulting mRNA is expected to undergo nonsense-mediated decay. In summary, the currently available evidence indicates that the variant is pathogenic, but additional data are needed to prove that conclusively. Therefore, this variant has been classified as Likely Pathogenic.

NM_002485.5(NBN):c.321-1G>A

Gene: NBN (nibrin; minus strand). Cytogenetic location: 8q21.3.
Variant type: single nucleotide variant.
Coding change: c.321-1G>A on transcript NM_002485.5 (MANE Select); the canonical splice acceptor site of the intron before coding-DNA position 321, G replaced by A.
Molecular consequence: splice acceptor variant.
Genome position (GRCh38, 1-based): chr8:89,980,894, C>T on the plus strand (G>A on the coding strand, the complement: NBN is on the minus strand). VCF-style: chr8-89980894-C-T. GRCh37 (hg19) VCF-style: chr8-90993122-C-T.
Other names: c.75-1G>A (NM_001024688.3).
Identifiers: ClinVar variation 2716144 (VCV002716144.3), dbSNP rs2488357436, ClinGen allele CA371662180.